The following is an entry in ClinVar:

NM_005148.4(UNC119):c.371A>G (p.Asn124Ser)

Gene: UNC119 (unc-119 lipid binding chaperone; minus strand). Cytogenetic location: 17q11.2.
Variant type: single nucleotide variant.
Coding change: c.371A>G on transcript NM_005148.4 (MANE Select); coding-DNA position 371, A replaced by G.
Protein change: p.Asn124Ser; replaces asparagine 124 with serine.
Molecular consequence: missense variant.
Genome position (GRCh38, 1-based): chr17:28,548,065, T>C on the plus strand (A>G on the coding strand, the complement: UNC119 is on the minus strand). VCF-style: chr17-28548065-T-C. GRCh37 (hg19) VCF-style: chr17-26875083-T-C.
Other names: c.86A>G, p.Asn29Ser (NM_001330166.2); c.371A>G, p.Asn124Ser (NM_054035.2); short protein forms N124S, N29S.
Identifiers: ClinVar variation 862261 (VCV000862261.7), dbSNP rs374271322, ClinGen allele CA8459819.

ClinVar aggregate classification (germline): Uncertain significance. Review status: criteria provided, multiple submitters, no conflicts (2 of 4 stars). 2 submissions from 2 submitters: Uncertain significance (2). Last evaluated 2025-12-21.

Allele frequency attached by ClinVar (database versions not stated): ExAC 0.00004; ESP Exome Variant Server 0.00008; gnomAD exomes 0.00013; TOPMed 0.00022.

Submissions (2):

Labcorp Genetics (formerly Invitae), Labcorp
Classification: Uncertain significance. Last evaluated: 2025-12-21. Review status: criteria provided, single submitter. Criteria: Invitae Variant Classification Sherloc (09022015). Collection method: clinical testing. Allele origin: germline.
Comment: This sequence change replaces asparagine, which is neutral and polar, with serine, which is neutral and polar, at codon 124 of the UNC119 protein (p.Asn124Ser). This variant is present in population databases (rs374271322, gnomAD 0.07%), and has an allele count higher than expected for a pathogenic variant. This variant has not been reported in the literature in individuals affected with UNC119-related conditions. ClinVar contains an entry for this variant (Variation ID: 862261). An algorithm developed to predict the effect of missense changes on protein structure and function (PolyPhen-2) suggests that this variant is likely to be tolerated. In summary, the available evidence is currently insufficient to determine the role of this variant in disease. Therefore, it has been classified as a Variant of Uncertain Significance.

Ambry Genetics
Classification: Uncertain significance. Last evaluated: 2025-04-08. Review status: criteria provided, single submitter. Criteria: Ambry Variant Classification Scheme 2023. Collection method: clinical testing. Allele origin: germline.